The following is an entry in ClinVar:

NM_017534.6(MYH2):c.4258C>T (p.Leu1420Phe)

Genes: MYHAS (myosin heavy chain gene cluster antisense RNA; plus strand), MYH2 (myosin heavy chain 2; minus strand). Cytogenetic location: 17p13.1.
Variant type: single nucleotide variant.
Coding change: c.4258C>T on transcript NM_017534.6 (MANE Select); coding-DNA position 4258, C replaced by T.
Protein change: p.Leu1420Phe; replaces leucine 1420 with phenylalanine.
Molecular consequence: missense variant.
Genome position (GRCh38, 1-based): chr17:10,525,806, G>A on the plus strand (C>T on the coding strand, the complement: MYH2 is on the minus strand). VCF-style: chr17-10525806-G-A. GRCh37 (hg19) VCF-style: chr17-10429123-G-A.
Other names: c.4258C>T, p.Leu1420Phe (NM_001100112.2); short protein forms L1420F.
Identifiers: ClinVar variation 465940 (VCV000465940.21), dbSNP rs187438258, ClinGen allele CA8390681.

ClinVar aggregate classification (germline): Benign/Likely benign. Review status: criteria provided, multiple submitters, no conflicts (2 of 4 stars). 3 submissions from 3 submitters: Benign (2); Likely benign (1). Last evaluated 2025-10-28.

Conditions:
Myopathy, proximal, and ophthalmoplegia (CMYO6). Also called: INCLUSION BODY MYOPATHY 3, AUTOSOMAL DOMINANT; CONGENITAL MYOPATHY 6 WITH OPHTHALMOPLEGIA; MYOPATHY WITH CONGENITAL JOINT CONTRACTURES, OPHTHALMOPLEGIA, AND RIMMED VACUOLES. Identifiers: Orphanet 363677, Orphanet 79091, MedGen C1854106, MONDO:0011577, OMIM 605637.

Allele frequency attached by ClinVar (database versions not stated): gnomAD exomes 0.00017 and 0.00086; gnomAD 0.00019 and 0.00020; 1000 Genomes Project 30x 0.00031; TOPMed 0.00036; 1000 Genomes Project 0.00040; ExAC 0.00090.
gnomAD v4.1: 274 of 1,614,158 alleles (0.017%); highest among the groups gnomAD compares: East Asian, 0.57%; no homozygotes.

Submissions (3):

Labcorp Genetics (formerly Invitae), Labcorp
Classification: Benign for Myopathy, proximal, and ophthalmoplegia. Last evaluated: 2025-10-28. Review status: criteria provided, single submitter. Criteria: Invitae Variant Classification Sherloc (09022015). Collection method: clinical testing. Allele origin: germline.

GeneDx
Classification: Likely benign. Last evaluated: 2018-08-17. Review status: criteria provided, single submitter. Criteria: GeneDx Variant Classification Process June 2021. Collection method: clinical testing. Allele origin: germline. Affected: yes.
Comment: See Variant Classification Assertion Criteria.

Illumina Laboratory Services, Illumina
Classification: Benign for Myopathy, proximal, and ophthalmoplegia. Last evaluated: 2017-04-28. Review status: criteria provided, single submitter. Criteria: ICSL Variant Classification Criteria 13 December 2019. Collection method: clinical testing. Allele origin: germline.
Comment: This variant was observed as part of a predisposition screen in an ostensibly healthy population. A literature search was performed for the gene, cDNA change, and amino acid change (where applicable). No publications were found based on this search. Allele frequency data from public databases was too high to be consistent with this variant causing disease. Therefore, this variant is classified as benign.